The following is an entry in ClinVar:

ClinVar aggregate classification (germline): Uncertain significance (1 of 4 stars; one submission).

Submission:

GeneDx
Classification: Uncertain significance. Last evaluated: 2023-05-05. Review status: criteria provided, single submitter. Criteria: GeneDx Variant Classification Process June 2021. Collection method: clinical testing. Allele origin: germline. Affected: yes.
Comment: Not observed at significant frequency in large population cohorts (gnomAD); In silico analysis supports that this missense variant does not alter protein structure/function; Has not been previously published as pathogenic or benign to our knowledge

NM_012470.4(TNPO3):c.1120C>T (p.His374Tyr)

Gene: TNPO3 (transportin 3; minus strand). Cytogenetic location: 7q32.1.
Variant type: single nucleotide variant.
Coding change: c.1120C>T on transcript NM_012470.4 (MANE Select); coding-DNA position 1120, C replaced by T.
Protein change: p.His374Tyr; replaces histidine 374 with tyrosine.
Molecular consequence: missense variant. On other transcripts: non-coding transcript variant (17), intron variant (1).
Genome position (GRCh38, 1-based): chr7:128,997,427, G>A on the plus strand (C>T on the coding strand, the complement: TNPO3 is on the minus strand). VCF-style: chr7-128997427-G-A. GRCh37 (hg19) VCF-style: chr7-128637481-G-A.
Other names: c.1120C>T, p.His374Tyr (NM_001191028.3, NM_001382216.1, NM_001382218.1 and 3 more transcripts); c.1201C>T, p.His401Tyr (NM_001382217.1); c.976C>T, p.His326Tyr (NM_001382221.1); c.1011+3002C>T (NM_001382222.1); short protein forms H326Y, H374Y, H401Y.
Identifiers: ClinVar variation 3343367 (VCV003343367.1).